The following is an entry in ClinVar:

NM_001347.4(DGKQ):c.2730G>A (p.Val910=)

Gene: DGKQ (diacylglycerol kinase theta; minus strand). Cytogenetic location: 4p16.3.
Variant type: single nucleotide variant.
Coding change: c.2730G>A on transcript NM_001347.4 (MANE Select); coding-DNA position 2730, G replaced by A.
Protein change: p.Val910=; no amino-acid change (valine 910 retained).
Molecular consequence: synonymous variant.
Genome position (GRCh38, 1-based): chr4:960,719, C>T on the plus strand (G>A on the coding strand, the complement: DGKQ is on the minus strand). VCF-style: chr4-960719-C-T. GRCh37 (hg19) VCF-style: chr4-954507-C-T.
Identifiers: ClinVar variation 4981869 (VCV004981869.1).
Genomic context (GRCh38, chr4:960,719, plus strand): 5'-CCGGGCATCCCTGGTGGTCCCGGCCCTCCTCGGCTTCTGCTTGGCCTTCCTCAGCATGTG[C>T]ACCTGTCCCAGGGCAGGGGACAGAGGACCAGGGTGACATGGCCGATGAAAGAACGGTACA-3'
Protein context (NP_001338.2, residues 900-920): HMIISAAGPK[Val910=]HMLRKAKQKP

ClinVar aggregate classification (germline): Likely benign (1 of 4 stars; one submission).

Conditions:
DGKQ-related disorder. Also called: DGKQ-related condition.

gnomAD v4.1: 105 of 1,611,914 alleles (0.0065%); highest among the groups gnomAD compares: Admixed American, 0.047%; no homozygotes.

Submission:

PreventionGenetics, part of Exact Sciences
Classification: Likely benign for DGKQ-related condition. Last evaluated: 2026-07-10. Review status: criteria provided, single submitter. Criteria: ACMG Guidelines, 2015. Collection method: clinical testing. Allele origin: germline.
Comment: This variant is classified as likely benign based on ACMG/AMP sequence variant interpretation guidelines (Richards et al. 2015 PMID: 25741868, with internal and published modifications).